The following is an entry in ClinVar:

ClinVar aggregate classification (germline): Conflicting classifications of pathogenicity. Review status: criteria provided, conflicting classifications (1 of 4 stars). 21 submissions from 17 submitters: Uncertain significance (1); Benign (14); Likely benign (3). 3 of the submissions do not count toward it. Last evaluated 2026-02-03.

Conditions:
Cardiovascular phenotype. Identifiers: MedGen CN230736.
TTN-related disorder. Also called: TTN-related disorders; TTN-related condition; TTN-related disease.
Dilated cardiomyopathy 1G (CMD1G). Identifiers: Orphanet 154, MedGen C1858763, MONDO:0011400, OMIM 604145.
Autosomal recessive limb-girdle muscular dystrophy type 2J (LGMDR10). Also called: Limb-girdle muscular dystrophy, type 2J; MUSCULAR DYSTROPHY, LIMB-GIRDLE, AUTOSOMAL RECESSIVE 10. Identifiers: Orphanet 140922, MedGen C1837342, MONDO:0012127, OMIM 608807.
Cardiomyopathy (CMYO). Also called: Cardiomyopathies. Identifiers: Orphanet 167848, MedGen C0878544, MONDO:0004994, HP:0001638. Inheritance: Various modes of inheritance.
Early-onset myopathy with fatal cardiomyopathy (CMYO5). Also called: CONGENITAL MYOPATHY 5 WITH CARDIOMYOPATHY; Salih Myopathy. Identifiers: Orphanet 289377, MedGen C2673677, MONDO:0012714, OMIM 611705. Disease mechanism: loss of function.
Myopathy, myofibrillar, 9, with early respiratory failure (MFM9). Also called: MYOPATHY, PROXIMAL, WITH EARLY RESPIRATORY MUSCLE INVOLVEMENT; Myopathy, distal, with early respiratory failure, autosomal dominant; Hereditary myopathy with early respiratory failure; EDSTROM MYOPATHY. Identifiers: Orphanet 178464, Orphanet 34521, MedGen C1863599, MONDO:0011362, OMIM 603689.
Tibial muscular dystrophy (TMD). Also called: Tibial muscular dystrophy, tardive; UDD MYOPATHY; Udd Distal Myopathy – Tibial Muscular Dystrophy. Identifiers: Orphanet 609, MedGen C1838244, MONDO:0010870, OMIM 600334.
Tip-toe gait. Also called: Toe walking. Identifiers: MedGen C0427144, HP:0030051.

Allele frequency attached by ClinVar (database versions not stated): gnomAD exomes 0.00047 and 0.00120; ExAC 0.00149; 1000 Genomes Project 0.00419; 1000 Genomes Project 30x 0.00437; gnomAD 0.00503 and 0.00546; TOPMed 0.00566; ESP Exome Variant Server 0.00600.
gnomAD v4.1: 1,497 of 1,613,952 alleles (0.093%); highest among the groups gnomAD compares: African/African-American, 1.8%; 19 homozygotes.

Submissions 1 to 12 of 21:

Labcorp Genetics (formerly Invitae), Labcorp
Classification: Benign for Dilated cardiomyopathy 1G; Autosomal recessive limb-girdle muscular dystrophy type 2J. Last evaluated: 2026-02-03. Review status: criteria provided, single submitter. Criteria: Invitae Variant Classification Sherloc (09022015). Collection method: clinical testing. Allele origin: germline.

Molecular Diagnostic Laboratory for Inherited Cardiovascular Disease, Montreal Heart Institute
Classification: Benign. Last evaluated: 2025-04-09. Review status: criteria provided, single submitter. Criteria: ACMG Guidelines, 2015. Collection method: clinical testing. Allele origin: germline. Affected: no.

ARUP Laboratories, Molecular Genetics and Genomics, ARUP Laboratories
Classification: Benign. Last evaluated: 2024-12-12. Review status: criteria provided, single submitter. Criteria: ARUP Molecular Germline Variant Investigation Process 2024. Collection method: clinical testing. Allele origin: germline.

Athena Diagnostics
Classification: Benign. Last evaluated: 2023-10-17. Review status: criteria provided, single submitter. Criteria: Athena Diagnostics Criteria. Collection method: clinical testing. Allele origin: unknown.

Practice for Gait Abnormalities, David Pomarino, Competency Network Toe Walking C/o Practice Pomarino
Classification: Uncertain significance for Tip-toe gait. Last evaluated: 2021-01-29. Review status: criteria provided, single submitter. Criteria: ACMG Guidelines, 2015. Collection method: clinical testing. Allele origin: unknown. Affected: yes.
Comment: Myopathy refers to diseases that affect skeletal Muscles. These diseases attack muscle fibers, making muscles weak. Inherited myopathies are often caused by inheriting an abnormal gene mutation from a parent that causes the disease. Symptoms of congenital myopathies usually start at birth or in early childhood, but may not appear until the teen years or even later in adulthood. Congenital myopathies are somewhat unique compared with other inherited myopathies, as weakness typically affects all muscles and is often not progressive. Symptoms are: Muscle weakness, most commonly of upper arms and shoulders and thighs, muscle cramps, stiffness and spasms, fatigue with exertion and lack of energy. Our patients all walk on tiptoe, so they show similar symptoms. When we genetically test them with our toe walking panel, we find that around 90 per cent of them have a genetic variant that explains their toe walking. These can be assigned, for example, to the area of myopathies (such as variants of the COL6A3 gene), the area of hereditary neuropathies (such as variants of the KMT2C gene) or the area of metabolic diseases (such as variants of the PYGM gene). In a smaller group of patients with almost identical symptoms, no abnormality is found in the genes of our panel, but spastic paraplegia can be detected. In another small group of our toe walkers, no abnormalities can be detected in the genes analysed in our toe walking panel, nor do they suffer from spastic paraplegia, as is also the case with healthy children. In contrast to these, however, they show a tiptoe gait. These patients suffer from infantile cerebral palsy, in which toe walking can also be observed.

Women's Health and Genetics/Laboratory Corporation of America, LabCorp
Classification: Benign. Last evaluated: 2019-10-30. Review status: criteria provided, single submitter. Criteria: LabCorp Variant Classification Summary - May 2015. Collection method: clinical testing. Allele origin: germline.
Comment: Variant summary: TTN c.6353T>C (p.Ile2118Thr) results in a non-conservative amino acid change located in the near Z-disk/I-band region of the encoded protein sequence. Four of five in-silico tools predict a damaging effect of the variant on protein function. The variant allele was found at a frequency of 0.0012 in 251036 control chromosomes, predominantly at a frequency of 0.016 within the African or African-American subpopulation in the gnomAD database, including 2 homozygotes. The observed variant frequency within African or African-American control individuals in the gnomAD database is approximately 26 fold of the estimated maximal expected allele frequency for a pathogenic variant in TTN causing Cardiomyopathy phenotype (0.00063), strongly suggesting that the variant is a benign polymorphism found primarily in populations of African or African-American origin. Five clinical diagnostic laboratories have submitted clinical-significance assessments for this variant to ClinVar after 2014 without evidence for independent evaluation (x4 benign, 1x VUS). Based on the evidence outlined above, the variant was classified as benign.

Center for Advanced Laboratory Medicine, UC San Diego Health, University of California San Diego
Classification: Benign for Cardiomyopathy. Last evaluated: 2018-05-23. Review status: criteria provided, single submitter. Criteria: ACMG Guidelines, 2015. Collection method: clinical testing. Allele origin: germline. Affected: yes. Observed: 2 variant alleles.

Illumina Laboratory Services, Illumina
Classification: Likely benign for Autosomal recessive limb-girdle muscular dystrophy type 2J. Last evaluated: 2018-01-12. Review status: criteria provided, single submitter. Criteria: ICSL Variant Classification Criteria 13 December 2019. Collection method: clinical testing. Allele origin: germline.
Comment: This variant was observed in the ICSL laboratory as part of a predisposition screen in an ostensibly healthy population. It had not been previously curated by ICSL or reported in the Human Gene Mutation Database (HGMD: prior to June 1st, 2018), and was therefore a candidate for classification through an automated scoring system. Utilizing variant allele frequency, disease prevalence and penetrance estimates, and inheritance mode, an automated score was calculated to assess if this variant is too frequent to cause the disease. Based on the score and internal cut-off values, a variant classified as likely benign is not then subjected to further curation. The score for this variant resulted in a classification of likely benign for this disease.

Illumina Laboratory Services, Illumina
Classification: Benign for Myopathy, myofibrillar, 9, with early respiratory failure. Last evaluated: 2018-01-12. Review status: criteria provided, single submitter. Criteria: ICSL Variant Classification Criteria 13 December 2019. Collection method: clinical testing. Allele origin: germline.
Comment: This variant was observed in the ICSL laboratory as part of a predisposition screen in an ostensibly healthy population. It had not been previously curated by ICSL or reported in the Human Gene Mutation Database (HGMD: prior to June 1st, 2018), and was therefore a candidate for classification through an automated scoring system. Utilizing variant allele frequency, disease prevalence and penetrance estimates, and inheritance mode, an automated score was calculated to assess if this variant is too frequent to cause the disease. Based on the score and internal cut-off values, a variant classified as benign is not then subjected to further curation. The score for this variant resulted in a classification of benign for this disease.

Illumina Laboratory Services, Illumina
Classification: Likely benign for Dilated cardiomyopathy 1G. Last evaluated: 2018-01-12. Review status: criteria provided, single submitter. Criteria: ICSL Variant Classification Criteria 13 December 2019. Collection method: clinical testing. Allele origin: germline.
Comment: the same text as in the submission from Illumina Laboratory Services, Illumina above.

Illumina Laboratory Services, Illumina
Classification: Benign for Tibial muscular dystrophy. Last evaluated: 2018-01-12. Review status: criteria provided, single submitter. Criteria: ICSL Variant Classification Criteria 13 December 2019. Collection method: clinical testing. Allele origin: germline.
Comment: the same text as in the submission from Illumina Laboratory Services, Illumina above.

Illumina Laboratory Services, Illumina
Classification: Likely benign for Early-onset myopathy with fatal cardiomyopathy. Last evaluated: 2018-01-12. Review status: criteria provided, single submitter. Criteria: ICSL Variant Classification Criteria 13 December 2019. Collection method: clinical testing. Allele origin: germline.
Comment: the same text as in the submission from Illumina Laboratory Services, Illumina above.

NM_001267550.2(TTN):c.6353T>C (p.Ile2118Thr)

Gene: TTN (titin; minus strand). Cytogenetic location: 2q31.2.
Variant type: single nucleotide variant.
Coding change: c.6353T>C on transcript NM_001267550.2 (MANE Select); coding-DNA position 6353, T replaced by C.
Protein change: p.Ile2118Thr; replaces isoleucine 2118 with threonine.
Molecular consequence: missense variant.
Genome position (GRCh38, 1-based): chr2:178,775,511, A>G on the plus strand (T>C on the coding strand, the complement: TTN is on the minus strand). VCF-style: chr2-178775511-A-G. GRCh37 (hg19) VCF-style: chr2-179640238-A-G.
Other names: p.I2118T:ATT>ACT; c.6353T>C, p.Ile2118Thr (NM_001256850.1, NM_133379.5, NM_133378.4); c.6215T>C, p.Ile2072Thr (NM_003319.4, NM_133432.3, NM_133437.4); short protein forms I2118T, I2072T.
Identifiers: ClinVar variation 47297 (VCV000047297.43), dbSNP rs56404770, ClinGen allele CA283707.